The following is an entry in ClinVar:

ClinVar aggregate classification (germline): Uncertain significance (1 of 4 stars; one submission).

Conditions:
DICER1-related tumor predisposition. Also called: DICER1-related pleuropulmonary blastoma cancer predisposition syndrome; DICER1 syndrome. Identifiers: Orphanet 284343, MedGen C3839822, MONDO:0100216.

Submission:

Labcorp Genetics (formerly Invitae), Labcorp
Classification: Uncertain significance for DICER1-related tumor predisposition. Last evaluated: 2023-08-19. Review status: criteria provided, single submitter. Criteria: Invitae Variant Classification Sherloc (09022015). Collection method: clinical testing. Allele origin: germline.
Comment: This sequence change replaces alanine, which is neutral and non-polar, with serine, which is neutral and polar, at codon 553 of the DICER1 protein (p.Ala553Ser). This variant is not present in population databases (gnomAD no frequency). This variant has not been reported in the literature in individuals affected with DICER1-related conditions. Advanced modeling of protein sequence and biophysical properties (such as structural, functional, and spatial information, amino acid conservation, physicochemical variation, residue mobility, and thermodynamic stability) performed at Invitae indicates that this missense variant is expected to disrupt DICER1 protein function. In summary, the available evidence is currently insufficient to determine the role of this variant in disease. Therefore, it has been classified as a Variant of Uncertain Significance.

NM_177438.3(DICER1):c.1657G>T (p.Ala553Ser)

Gene: DICER1 (dicer 1, ribonuclease III; minus strand). Cytogenetic location: 14q32.13.
Variant type: single nucleotide variant.
Coding change: c.1657G>T on transcript NM_177438.3 (MANE Select); coding-DNA position 1657, G replaced by T.
Protein change: p.Ala553Ser; replaces alanine 553 with serine.
Molecular consequence: missense variant. On other transcripts: non-coding transcript variant (6), 5 prime UTR variant (1).
Genome position (GRCh38, 1-based): chr14:95,116,548, C>A on the plus strand (G>T on the coding strand, the complement: DICER1 is on the minus strand). VCF-style: chr14-95116548-C-A. GRCh37 (hg19) VCF-style: chr14-95582885-C-A.
Other names: c.1657G>T, p.Ala553Ser (NM_030621.4, NM_001395692.1, NM_001395693.1 and 13 more transcripts); c.1252G>T, p.Ala418Ser (NM_001395690.1, NM_001395696.1, NM_001395698.1 and 3 more transcripts); c.1090G>T, p.Ala364Ser (NM_001395691.1); c.-27G>T (NM_001395697.1); c.1375G>T, p.Ala459Ser (NM_001395686.1); short protein forms A418S, A364S, A459S, A553S.
Identifiers: ClinVar variation 2753939 (VCV002753939.3), dbSNP rs2140124156, ClinGen allele CA390884859.